The following is an entry in ClinVar:

NM_002890.3(RASA1):c.1651G>A (p.Glu551Lys)

Genes: CCNH (cyclin H; minus strand), RASA1 (RAS p21 protein activator 1; plus strand). Cytogenetic location: 5q14.3.
Variant type: single nucleotide variant.
Coding change: c.1651G>A on transcript NM_002890.3 (MANE Select); coding-DNA position 1651, G replaced by A.
Protein change: p.Glu551Lys; replaces glutamic acid 551 with lysine.
Molecular consequence: missense variant. On other transcripts: intron variant (1).
Genome position (GRCh38, 1-based): chr5:87,369,853, G>A. VCF-style: chr5-87369853-G-A. GRCh37 (hg19) VCF-style: chr5-86665670-G-A.
Other names: c.1120G>A, p.Glu374Lys (NM_022650.3); c.933+25191C>T (NM_001364075.2); short protein forms E551K, E374K.
Identifiers: ClinVar variation 239410 (VCV000239410.10), dbSNP rs878854568, ClinGen allele CA10582435.

ClinVar aggregate classification (germline): Uncertain significance (1 of 4 stars; one submission).

Conditions:
Capillary malformation-arteriovenous malformation syndrome. Also called: Capillary malformation-arteriovenous malformation. Identifiers: Orphanet 137667, MedGen C1842180, MONDO:0012016.

Allele frequency attached by ClinVar (database versions not stated): gnomAD exomes below 0.00001.
gnomAD v4.1: 2 of 1,612,160 alleles (0.00012%); highest among the groups gnomAD compares: Non-Finnish European, 0.00017%; no homozygotes.

Submission:

Labcorp Genetics (formerly Invitae), Labcorp
Classification: Uncertain significance for Capillary malformation-arteriovenous malformation syndrome. Last evaluated: 2015-12-22. Review status: criteria provided, single submitter. Criteria: Invitae Variant Classification Sherloc (09022015). Collection method: clinical testing. Allele origin: germline.
Comment: In summary, this is a novel missense change with uncertain impact on protein function. It has been classified as a Variant of Uncertain Significance. Algorithms developed to predict the effect of missense changes on protein structure and function do not agree on the potential impact of this missense change (SIFT: "Tolerated"; PolyPhen-2: "Probably Damaging"; Align-GVGD: "Class C0"). This variant is not present in population databases (ExAC no frequency) and has not been reported in the literature in individuals with a RASA1-related disease. This sequence change replaces glutamic acid with lysine at codon 551 of the RASA1 protein (p.Glu551Lys). The glutamic acid residue is moderately conserved and there is a small physicochemical difference between glutamic acid and lysine.